The following is an entry in ClinVar:

ClinVar aggregate classification (germline): Uncertain significance. Review status: criteria provided, multiple submitters, no conflicts (2 of 4 stars). 3 submissions from 3 submitters: Uncertain significance (3). Last evaluated 2024-06-12.

Conditions:
Hereditary cancer-predisposing syndrome. Also called: Hereditary Cancer Syndrome; Hereditary neoplastic syndrome; Neoplastic Syndromes, Hereditary; Tumor predisposition. Identifiers: Orphanet 140162, MedGen C0027672, MeSH D009386, MONDO:0015356.
Bloom syndrome (BLM). Also called: Bloom-Torre-Machacek syndrome. Identifiers: Orphanet 125, MedGen C0005859, MONDO:0008876, OMIM 210900.

Allele frequency attached by ClinVar (database versions not stated): ExAC 0.00004.

Submissions (3):

Fulgent Genetics
Classification: Uncertain significance for Bloom syndrome. Last evaluated: 2024-06-12. Review status: criteria provided, single submitter. Criteria: ACMG Guidelines, 2015. Collection method: clinical testing. Allele origin: germline.

Ambry Genetics
Classification: Uncertain significance for Hereditary cancer-predisposing syndrome. Last evaluated: 2024-02-25. Review status: criteria provided, single submitter. Criteria: Ambry Variant Classification Scheme 2023. Collection method: clinical testing. Allele origin: germline.
Comment: The p.M1172L variant (also known as c.3514A>C), located in coding exon 17 of the BLM gene, results from an A to C substitution at nucleotide position 3514. The methionine at codon 1172 is replaced by leucine, an amino acid with highly similar properties. This amino acid position is conserved. In addition, this alteration is predicted to be tolerated by in silico analysis. Since supporting evidence is limited at this time, the clinical significance of this alteration remains unclear.

Labcorp Genetics (formerly Invitae), Labcorp
Classification: Uncertain significance for Bloom syndrome. Last evaluated: 2021-08-28. Review status: criteria provided, single submitter. Criteria: Invitae Variant Classification Sherloc (09022015). Collection method: clinical testing. Allele origin: germline.
Comment: This sequence change replaces methionine with leucine at codon 1172 of the BLM protein (p.Met1172Leu). The methionine residue is weakly conserved and there is a small physicochemical difference between methionine and leucine. This variant is present in population databases (rs745380387, ExAC 0.03%), including at least one homozygous and/or hemizygous individual. This variant has not been reported in the literature in individuals affected with BLM-related conditions. Algorithms developed to predict the effect of missense changes on protein structure and function (SIFT, PolyPhen-2, Align-GVGD) all suggest that this variant is likely to be tolerated. In summary, the available evidence is currently insufficient to determine the role of this variant in disease. Therefore, it has been classified as a Variant of Uncertain Significance.

NM_000057.4(BLM):c.3514A>C (p.Met1172Leu)

Gene: BLM (BLM RecQ like helicase; plus strand). Cytogenetic location: 15q26.1.
Variant type: single nucleotide variant.
Coding change: c.3514A>C on transcript NM_000057.4 (MANE Select); coding-DNA position 3514, A replaced by C.
Protein change: p.Met1172Leu; replaces methionine 1172 with leucine.
Molecular consequence: missense variant. On other transcripts: intron variant (1).
Genome position (GRCh38, 1-based): chr15:90,803,676, A>C. VCF-style: chr15-90803676-A-C. GRCh37 (hg19) VCF-style: chr15-91346906-A-C.
Other names: c.3514A>C, p.Met1172Leu (NM_001287246.2); c.2389A>C, p.Met797Leu (NM_001287248.2); c.3358+5339A>C (NM_001287247.2); short protein forms M1172L, M797L.
Identifiers: ClinVar variation 1450744 (VCV001450744.8), dbSNP rs745380387, ClinGen allele CA7739051.
Genomic context (GRCh38, chr15:90,803,676, plus strand): 5'-GACAAGATTTTGGATGAAGACTTATATATCAATGCCAATGACCAGGCGATCGCTTATGTG[A>C]TGCTCGGAAATAAAGCCCAAACTGTACTAAATGGCAATTTAAAGGTATAGTATTTTTCAT-3'
Protein context (NP_000048.1, residues 1162-1182): NANDQAIAYV[Met1172Leu]LGNKAQTVLN